The following is an entry in ClinVar:

NM_000222.3(KIT):c.1264G>A (p.Val422Met)

Gene: KIT (KIT proto-oncogene, receptor tyrosine kinase; plus strand). Cytogenetic location: 4q12.
Variant type: single nucleotide variant.
Coding change: c.1264G>A on transcript NM_000222.3 (MANE Select); coding-DNA position 1264, G replaced by A.
Protein change: p.Val422Met; replaces valine 422 with methionine.
Molecular consequence: missense variant.
Genome position (GRCh38, 1-based): chr4:54,723,616, G>A. VCF-style: chr4-54723616-G-A. GRCh37 (hg19) VCF-style: chr4-55589782-G-A.
Other names: c.1264G>A, p.Val422Met (NM_001093772.2, NM_001385285.1, NM_001385286.1); c.1267G>A, p.Val423Met (NM_001385284.1, NM_001385288.1, NM_001385290.1 and 1 more transcripts); short protein forms V422M, V423M.
Identifiers: ClinVar variation 576821 (VCV000576821.15), dbSNP rs1560414398, ClinGen allele CA356905446.

ClinVar aggregate classification (germline): Conflicting classifications of pathogenicity. Review status: criteria provided, conflicting classifications (1 of 4 stars). 5 submissions from 3 submitters: Uncertain significance (4); Likely benign (1). Last evaluated 2025-09-13.

Conditions:
Hereditary cancer-predisposing syndrome. Also called: Hereditary Cancer Syndrome; Tumor predisposition; Neoplastic Syndromes, Hereditary; Hereditary neoplastic syndrome. Identifiers: Orphanet 140162, MedGen C0027672, MeSH D009386, MONDO:0015356.
Mastocytosis. Also called: Mast Cell Disease. Identifiers: Orphanet 98292, MedGen C0024899, MONDO:0007950, HP:0100495.
Gastrointestinal stromal tumor. Also called: Gastrointestinal stromal tumor, somatic; Gastrointestinal stroma tumor. Identifiers: Orphanet 44890, MedGen C0238198, MeSH D046152, MONDO:0011719, OMIM 606764, HP:0100723.
Piebaldism. Also called: Piebald skin depigmentation. Identifiers: Orphanet 2884, MedGen C0080024, MONDO:0008244, OMIM 172800, HP:0007544.

Allele frequency attached by ClinVar (database versions not stated): gnomAD exomes below 0.00001 and 0.00001.
gnomAD v4.1: 4 of 1,614,038 alleles (0.00025%); highest among the groups gnomAD compares: Admixed American, 0.0017%; no homozygotes.

Submissions (5):

Labcorp Genetics (formerly Invitae), Labcorp
Classification: Uncertain significance for Gastrointestinal stromal tumor. Last evaluated: 2025-09-13. Review status: criteria provided, single submitter. Criteria: Invitae Variant Classification Sherloc (09022015). Collection method: clinical testing. Allele origin: germline.
Comment: This sequence change replaces valine, which is neutral and non-polar, with methionine, which is neutral and non-polar, at codon 422 of the KIT protein (p.Val422Met). This variant is not present in population databases (gnomAD no frequency). This variant has not been reported in the literature in individuals affected with KIT-related conditions. ClinVar contains an entry for this variant (Variation ID: 576821). An algorithm developed to predict the effect of missense changes on protein structure and function outputs the following: PolyPhen-2: "Benign". The methionine amino acid residue is found in multiple mammalian species, which suggests that this missense change does not adversely affect protein function. In summary, the available evidence is currently insufficient to determine the role of this variant in disease. Therefore, it has been classified as a Variant of Uncertain Significance.

Ambry Genetics
Classification: Likely benign for Hereditary cancer-predisposing syndrome. Last evaluated: 2019-01-02. Review status: criteria provided, single submitter. Criteria: Ambry Variant Classification Scheme 2023. Collection method: clinical testing. Allele origin: germline.

Illumina Laboratory Services, Illumina
Classification: Uncertain significance for Cutaneous mastocytosis. Last evaluated: 2017-04-27. Review status: criteria provided, single submitter. Criteria: ICSL Variant Classification Criteria 13 December 2019. Collection method: clinical testing. Allele origin: germline.

Illumina Laboratory Services, Illumina
Classification: Uncertain significance for Gastrointestinal stromal tumor. Last evaluated: 2017-04-27. Review status: criteria provided, single submitter. Criteria: ICSL Variant Classification Criteria 13 December 2019. Collection method: clinical testing. Allele origin: germline.

Illumina Laboratory Services, Illumina
Classification: Uncertain significance for Piebaldism. Last evaluated: 2017-04-27. Review status: criteria provided, single submitter. Criteria: ICSL Variant Classification Criteria 13 December 2019. Collection method: clinical testing. Allele origin: germline.